The following is an entry in ClinVar:

NM_000161.3(GCH1):c.627-9_627-7del

Gene: GCH1 (GTP cyclohydrolase 1; minus strand). Cytogenetic location: 14q22.2.
Variant type: Deletion.
Coding change: c.627-9_627-7del on transcript NM_000161.3 (MANE Select); 9 bases into the intron before coding-DNA position 627 through 7 bases into the intron before coding-DNA position 627, 3 bases deleted (ATT; older notation c.627-9_627-7delATT).
Molecular consequence: intron variant.
Genome position (GRCh38, 1-based): chr14:54,844,150-54,844,152, AAT deleted on the plus strand (ATT on the coding strand, the reverse complement: GCH1 is on the minus strand); deleting any 3 consecutive bases within chr14:54,844,150-54,844,154 gives the same sequence; the c. name uses the placement nearest the transcript's 3' end. VCF-style (leftmost placement, unchanged base first): chr14-54844149-AAAT-A. GRCh37 (hg19) VCF-style: chr14-55310867-AAAT-A.
Other names: c.627-1098_627-1096del (NM_001024071.2); c.627-283_627-281del (NM_001024070.2); c.627-9_627-7del (NM_001024024.2).
Identifiers: ClinVar variation 2100750 (VCV002100750.4), dbSNP rs2504337027, ClinGen allele CA2580088250.

ClinVar aggregate classification (germline): Uncertain significance (1 of 4 stars; one submission).

Conditions:
GTP cyclohydrolase I deficiency. Identifiers: MedGen C0268467, MONDO:0100184.
Dystonia 5 (DRD). Also called: DYSTONIA, PROGRESSIVE, WITH DIURNAL VARIATION; DYSTONIA-PARKINSONISM WITH DIURNAL FLUCTUATION; Dystonia, DOPA-responsive, with or without hyperphenylalaninemia; GTP Cyclohydrolase 1-Deficient Dopa-Responsive Dystonia; DYT-GCH1. Identifiers: Orphanet 98808, MedGen C1851920, MONDO:0007495, OMIM 128230.

Submission:

Labcorp Genetics (formerly Invitae), Labcorp
Classification: Uncertain significance for GTP cyclohydrolase I deficiency; Dystonia 5. Last evaluated: 2022-03-27. Review status: criteria provided, single submitter. Criteria: Invitae Variant Classification Sherloc (09022015). Collection method: clinical testing. Allele origin: germline.
Comment: This variant has not been reported in the literature in individuals affected with GCH1-related conditions. In summary, the available evidence is currently insufficient to determine the role of this variant in disease. Therefore, it has been classified as a Variant of Uncertain Significance. Algorithms developed to predict the effect of sequence changes on RNA splicing suggest that this variant may disrupt the consensus splice site. This variant is not present in population databases (gnomAD no frequency). This sequence change falls in intron 5 of the GCH1 gene. It does not directly change the encoded amino acid sequence of the GCH1 protein.